The following is an entry in ClinVar:

ClinVar aggregate classification (germline): Likely pathogenic. Review status: criteria provided, single submitter (1 of 4 stars). 2 submissions from 2 submitters: Likely pathogenic (1). 1 of the submissions does not count toward it. Last evaluated 2022-11-01.

Conditions:
Muscular dystrophy, congenital, with cataracts and impaired intellectual development. Also called: Congenital muscular dystrophy with cataracts and intellectual disability. Identifiers: Orphanet 662184, MedGen C4479410, MONDO:0024607, OMIM 617404.

Allele frequency attached by ClinVar (database versions not stated): gnomAD exomes 0.00001; TOPMed 0.00002; ExAC 0.00001; gnomAD 0.00001.

Submissions (2):

CeGaT Center for Human Genetics Tuebingen
Classification: Likely pathogenic. Last evaluated: 2022-11-01. Review status: criteria provided, single submitter. Criteria: CeGaT Center For Human Genetics Tuebingen Variant Classification Criteria Version 2. Collection method: clinical testing. Allele origin: germline. Affected: yes. Observed: 1 variant allele.
Comment: INPP5K: PM2, PM3, PP4, PS3:Supporting

OMIM
Classification: Pathogenic for MUSCULAR DYSTROPHY, CONGENITAL, WITH CATARACTS AND IMPAIRED INTELLECTUAL DEVELOPMENT. Last evaluated: 2024-10-03. Review status: no assertion criteria provided. Collection method: literature only. Allele origin: germline. Not counted in ClinVar's aggregate classification.

Literature cited by the submitters: PubMed 28190459 (cited by OMIM).

NM_016532.4(INPP5K):c.418G>A (p.Gly140Ser)

Gene: INPP5K (inositol polyphosphate-5-phosphatase K; minus strand). Cytogenetic location: 17p13.3.
Variant type: single nucleotide variant.
Coding change: c.418G>A on transcript NM_016532.4 (MANE Select); coding-DNA position 418, G replaced by A.
Protein change: p.Gly140Ser; replaces glycine 140 with serine.
Molecular consequence: missense variant.
Genome position (GRCh38, 1-based): chr17:1,509,314, C>T on the plus strand (G>A on the coding strand, the complement: INPP5K is on the minus strand). VCF-style: chr17-1509314-C-T. GRCh37 (hg19) VCF-style: chr17-1412608-C-T.
Other names: c.190G>A, p.Gly64Ser (NM_001135642.2, NM_130766.3); short protein forms G140S, G64S.
Identifiers: ClinVar variation 417783 (VCV000417783.31), dbSNP rs749383757, ClinGen allele CA8268604.